The following is an entry in ClinVar:

ClinVar aggregate classification (germline): Uncertain significance (1 of 4 stars; one submission).

Conditions:
Hereditary cancer-predisposing syndrome. Also called: Tumor predisposition; Hereditary Cancer Syndrome; Hereditary neoplastic syndrome; Neoplastic Syndromes, Hereditary. Identifiers: Orphanet 140162, MedGen C0027672, MeSH D009386, MONDO:0015356.

Submission:

Ambry Genetics
Classification: Uncertain significance for Hereditary cancer-predisposing syndrome. Last evaluated: 2023-08-30. Review status: criteria provided, single submitter. Criteria: Ambry Variant Classification Scheme 2023. Collection method: clinical testing. Allele origin: germline.
Comment: The p.M463I variant (also known as c.1389G>C), located in coding exon 2 of the MET gene, results from a G to C substitution at nucleotide position 1389. The methionine at codon 463 is replaced by isoleucine, an amino acid with highly similar properties. This amino acid position is highly conserved in available vertebrate species. In addition, this alteration is predicted to be tolerated by in silico analysis. Since supporting evidence is limited at this time, the clinical significance of this alteration remains unclear.

NM_000245.4(MET):c.1389G>C (p.Met463Ile)

Gene: MET (MET proto-oncogene, receptor tyrosine kinase; plus strand). Cytogenetic location: 7q31.2.
Variant type: single nucleotide variant.
Coding change: c.1389G>C on transcript NM_000245.4 (MANE Select); coding-DNA position 1389, G replaced by C.
Protein change: p.Met463Ile; replaces methionine 463 with isoleucine.
Molecular consequence: missense variant.
Genome position (GRCh38, 1-based): chr7:116,731,856, G>C. VCF-style: chr7-116731856-G-C. GRCh37 (hg19) VCF-style: chr7-116371910-G-C.
Other names: c.1389G>C, p.Met463Ile (NM_001127500.3, NM_001324401.3); c.99G>C, p.Met33Ile (NM_001324402.2); short protein forms M463I, M33I.
Identifiers: ClinVar variation 2587491 (VCV002587491.2), dbSNP rs1218003906, ClinGen allele CA368973156.